The following is an entry in ClinVar:

NM_014141.6(CNTNAP2):c.634A>G (p.Ile212Val)

Gene: CNTNAP2 (contactin associated protein 2; plus strand). Cytogenetic location: 7q35.
Variant type: single nucleotide variant.
Coding change: c.634A>G on transcript NM_014141.6 (MANE Select); coding-DNA position 634, A replaced by G.
Protein change: p.Ile212Val; replaces isoleucine 212 with valine.
Molecular consequence: missense variant.
Genome position (GRCh38, 1-based): chr7:147,108,230, A>G. VCF-style: chr7-147108230-A-G. GRCh37 (hg19) VCF-style: chr7-146805322-A-G.
Other names: short protein forms I212V.
Identifiers: ClinVar variation 434804 (VCV000434804.10), dbSNP rs751076079, ClinGen allele CA168687881.

ClinVar aggregate classification (germline): Uncertain significance. Review status: criteria provided, multiple submitters, no conflicts (2 of 4 stars). 3 submissions from 3 submitters: Uncertain significance (3). Last evaluated 2024-11-19.

Conditions:
Cortical dysplasia-focal epilepsy syndrome (PTHSL1). Also called: Pitt-Hopkins-like syndrome 1. Identifiers: Orphanet 163681, Orphanet 221150, MedGen C2750246, MONDO:0012400, OMIM 610042.

Allele frequency attached by ClinVar (database versions not stated): gnomAD exomes 0.00001 and 0.00004; gnomAD 0.00002; TOPMed 0.00005.
gnomAD v4.1: 20 of 1,613,652 alleles (0.0012%); highest among the groups gnomAD compares: Admixed American, 0.027%; no homozygotes.

Submissions (3):

GeneDx
Classification: Uncertain significance. Last evaluated: 2024-11-19. Review status: criteria provided, single submitter. Criteria: GeneDx Variant Classification Process June 2021. Collection method: clinical testing. Allele origin: germline. Affected: yes.
Comment: In silico analysis indicates that this missense variant does not alter protein structure/function; Has not been previously published as pathogenic or benign to our knowledge

Labcorp Genetics (formerly Invitae), Labcorp
Classification: Uncertain significance for Cortical dysplasia-focal epilepsy syndrome. Last evaluated: 2022-07-20. Review status: criteria provided, single submitter. Criteria: Invitae Variant Classification Sherloc (09022015). Collection method: clinical testing. Allele origin: germline.
Comment: This sequence change replaces isoleucine, which is neutral and non-polar, with valine, which is neutral and non-polar, at codon 212 of the CNTNAP2 protein (p.Ile212Val). This variant is present in population databases (rs751076079, gnomAD 0.03%). This variant has not been reported in the literature in individuals affected with CNTNAP2-related conditions. ClinVar contains an entry for this variant (Variation ID: 434804). Algorithms developed to predict the effect of missense changes on protein structure and function are either unavailable or do not agree on the potential impact of this missense change (SIFT: "Deleterious"; PolyPhen-2: "Possibly Damaging"; Align-GVGD: "Class C0"). In summary, the available evidence is currently insufficient to determine the role of this variant in disease. Therefore, it has been classified as a Variant of Uncertain Significance.

Genetic Services Laboratory, University of Chicago
Classification: Uncertain significance. Last evaluated: 2015-08-17. Review status: criteria provided, single submitter. Criteria: ACMG Guidelines, 2015. Collection method: clinical testing. Allele origin: germline. Affected: no.